The following is an entry in ClinVar:

ClinVar aggregate classification (germline): Conflicting classifications of pathogenicity. Review status: criteria provided, conflicting classifications (1 of 4 stars). 6 submissions from 6 submitters: Uncertain significance (4); Likely benign (1). 1 of the submissions does not count toward it. Last evaluated 2025-12-22.

Conditions:
Hereditary cancer-predisposing syndrome. Also called: Tumor predisposition; Hereditary Cancer Syndrome; Neoplastic Syndromes, Hereditary; Hereditary neoplastic syndrome. Identifiers: Orphanet 140162, MedGen C0027672, MeSH D009386, MONDO:0015356.
Hereditary breast ovarian cancer syndrome. Also called: Hereditary breast and ovarian cancer; Hereditary breast and/or ovarian cancer syndrome; BRCA1- and BRCA2-Associated Hereditary Breast and Ovarian Cancer; Hereditary breast and ovarian cancer syndrome; Hereditary breast and ovarian cancer syndrome (HBOC); Breast and ovarian cancer. Identifiers: Orphanet 145, MedGen C0677776, MeSH D061325, MONDO:0003582. Disease mechanism: loss of function.
Breast-ovarian cancer, familial, susceptibility to, 2 (BROVCA2). Also called: BRCA2 Hereditary Breast and Ovarian Cancer. Identifiers: Orphanet 145, MedGen C2675520, MONDO:0012933, OMIM 612555. Disease mechanism: loss of function.
Familial cancer of breast. Also called: BREAST CANCER, FAMILIAL; Hereditary breast cancer; hereditary breast carcinoma. Identifiers: Orphanet 227535, MedGen C0346153, MONDO:0016419, OMIM 114480. Disease mechanism: loss of function.

Allele frequency attached by ClinVar (database versions not stated): ExAC 0.00001.
gnomAD v4.1: 3 of 1,613,904 alleles (0.00019%); highest among the groups gnomAD compares: Middle Eastern, 0.016%; no homozygotes.

Submissions (6):

Labcorp Genetics (formerly Invitae), Labcorp
Classification: Uncertain significance for Hereditary breast ovarian cancer syndrome. Last evaluated: 2025-12-22. Review status: criteria provided, single submitter. Criteria: Invitae Variant Classification Sherloc (09022015). Collection method: clinical testing. Allele origin: germline.
Comment: This sequence change replaces glycine, which is neutral and non-polar, with valine, which is neutral and non-polar, at codon 3134 of the BRCA2 protein (p.Gly3134Val). This variant is present in population databases (rs80359215, gnomAD 0.006%). This missense change has been observed in individual(s) with breast cancer (PMID: 22034289). ClinVar contains an entry for this variant (Variation ID: 126211). Invitae Evidence Modeling of protein sequence and biophysical properties (such as structural, functional, and spatial information, amino acid conservation, physicochemical variation, residue mobility, and thermodynamic stability) indicates that this missense variant is not expected to disrupt BRCA2 protein function with a negative predictive value of 95%. In summary, the available evidence is currently insufficient to determine the role of this variant in disease. Therefore, it has been classified as a Variant of Uncertain Significance.

Ambry Genetics
Classification: Likely benign for Hereditary cancer-predisposing syndrome. Last evaluated: 2025-05-16. Review status: criteria provided, single submitter. Criteria: Ambry Variant Classification Scheme 2023. Collection method: clinical testing. Allele origin: germline.

Baylor Genetics
Classification: Uncertain significance for Familial cancer of breast. Last evaluated: 2023-10-27. Review status: criteria provided, single submitter. Criteria: ACMG Guidelines, 2015. Collection method: clinical testing. Allele origin: unknown.

GeneDx
Classification: Uncertain significance. Last evaluated: 2023-03-31. Review status: criteria provided, single submitter. Criteria: GeneDx Variant Classification Process June 2021. Collection method: clinical testing. Allele origin: germline. Affected: yes.
Comment: Observed in individuals with a personal and/or family history of breast, prostate, or other cancers (Fackenthal et al., 2012; Li et al., 2020; Matejcic et al., 2020); Not observed at significant frequency in large population cohorts (gnomAD); In silico analysis supports that this missense variant has a deleterious effect on protein structure/function; Also known as 9629G>T; This variant is associated with the following publications: (PMID: 22034289, 19043619, 31131967, 32377563, 29884841, 31853058, 32832836, 12228710, 31911673)

Color Diagnostics, LLC DBA Color Health
Classification: Uncertain significance for Hereditary cancer-predisposing syndrome. Last evaluated: 2021-07-19. Review status: criteria provided, single submitter. Criteria: ACMG Guidelines, 2015. Collection method: clinical testing. Allele origin: germline.
Comment: This missense variant replaces glycine with valine at codon 3134 of the BRCA2 protein. Computational prediction is inconclusive regarding the impact of this variant on protein structure and function (internally defined REVEL score threshold 0.5 < inconclusive < 0.7, PMID: 27666373). To our knowledge, functional studies have not been reported for this variant. This variant has been reported in an individual affected with breast cancer (PMID: 22034289). This variant has been identified in 1/251350 chromosomes in the general population by the Genome Aggregation Database (gnomAD). The available evidence is insufficient to determine the role of this variant in disease conclusively. Therefore, this variant is classified as a Variant of Uncertain Significance.

Breast Cancer Information Core (BIC) (BRCA2)
Classification: Uncertain significance for Breast-ovarian cancer, familial 2. Last evaluated: 2004-02-20. Review status: no assertion criteria provided. Collection method: clinical testing. Allele origin: germline. Affected: yes. Observed: 1 variant allele. Not counted in ClinVar's aggregate classification.

Literature cited by the submitters: PubMed 22034289 (cited by Labcorp Genetics (formerly Invitae), Labcorp and Ambry Genetics); PubMed 32832836 (cited by Ambry Genetics).

NM_000059.4(BRCA2):c.9401G>T (p.Gly3134Val)

Gene: BRCA2 (BRCA2 DNA repair associated; plus strand). Cytogenetic location: 13q13.1.
Variant type: single nucleotide variant.
Coding change: c.9401G>T on transcript NM_000059.4 (MANE Select); coding-DNA position 9401, G replaced by T.
Protein change: p.Gly3134Val; replaces glycine 3134 with valine.
Molecular consequence: missense variant.
Genome position (GRCh38, 1-based): chr13:32,394,833, G>T. VCF-style: chr13-32394833-G-T. GRCh37 (hg19) VCF-style: chr13-32968970-G-T.
Other names: short protein forms G3134V.
Identifiers: ClinVar variation 126211 (VCV000126211.22), dbSNP rs80359215, ClinGen allele CA026142.